The following is an entry in ClinVar:

NC_000001.10:g.(?_201008959)_(201013604_?)dup

Gene: CACNA1S (calcium voltage-gated channel subunit alpha1 S; minus strand). Cytogenetic location: 1q32.1.
Variant type: Duplication.
Identifiers: ClinVar variation 3247821 (VCV003247821.1).

ClinVar aggregate classification (germline): Uncertain significance (1 of 4 stars; one submission).

Conditions:
Malignant hyperthermia, susceptibility to, 5 (MHS5). Also called: CACNA1S-Related Malignant Hyperthermia Susceptibility. Identifiers: Orphanet 423, MedGen C1866077, MONDO:0011163, OMIM 601887.
Hypokalemic periodic paralysis, type 1. Also called: HypoPP; Hypokalemic Periodic Paralysis Type 1 (AD). Identifiers: Orphanet 681, MedGen C3714580, MONDO:0042979, OMIM 170400.

Submission:

Labcorp Genetics (formerly Invitae), Labcorp
Classification: Uncertain significance for Hypokalemic periodic paralysis, type 1; Malignant hyperthermia, susceptibility to, 5. Last evaluated: 2023-08-28. Review status: criteria provided, single submitter. Criteria: Invitae Variant Classification Sherloc (09022015). Collection method: clinical testing. Allele origin: unknown.
Comment: This variant results in a copy number gain of the genomic region encompassing exon(s) 39-44 of the CACNA1S gene. This region includes the termination codon of the gene. This copy number gain extends beyond the assayed region for this gene and therefore may encompass additional genes. As the precise location of this event is unknown, it may be in tandem or it may be located elsewhere in the genome. This variant has not been reported in the literature in individuals affected with CACNA1S-related conditions. In summary, the available evidence is currently insufficient to determine the role of this variant in disease. Therefore, it has been classified as a Variant of Uncertain Significance.